The following is an entry in ClinVar:

NM_001164508.2(NEB):c.1778G>A (p.Ser593Asn)

Gene: NEB (nebulin; minus strand). Cytogenetic location: 2q23.3.
Variant type: single nucleotide variant.
Coding change: c.1778G>A on transcript NM_001164508.2 (MANE Select); coding-DNA position 1778, G replaced by A.
Protein change: p.Ser593Asn; replaces serine 593 with asparagine.
Molecular consequence: missense variant.
Genome position (GRCh38, 1-based): chr2:151,694,526, C>T on the plus strand (G>A on the coding strand, the complement: NEB is on the minus strand). VCF-style: chr2-151694526-C-T. GRCh37 (hg19) VCF-style: chr2-152551040-C-T.
Other names: c.1778G>A, p.Ser593Asn (NM_001164507.2, NM_001271208.2, NM_004543.5); short protein forms S593N.
Identifiers: ClinVar variation 1025970 (VCV001025970.6), dbSNP rs2099581746, ClinGen allele CA348824562.

ClinVar aggregate classification (germline): Uncertain significance (1 of 4 stars; one submission).

Conditions:
Nemaline myopathy 2 (NEM2). Also called: Nemaline myopathy 2, autosomal recessive. Identifiers: MedGen C1850569, MONDO:0009725, OMIM 256030.

Submission:

Labcorp Genetics (formerly Invitae), Labcorp
Classification: Uncertain significance for Nemaline myopathy 2. Last evaluated: 2022-06-13. Review status: criteria provided, single submitter. Criteria: Invitae Variant Classification Sherloc (09022015). Collection method: clinical testing. Allele origin: germline.
Comment: This sequence change replaces serine, which is neutral and polar, with asparagine, which is neutral and polar, at codon 593 of the NEB protein (p.Ser593Asn). This variant is not present in population databases (gnomAD no frequency). This variant has not been reported in the literature in individuals affected with NEB-related conditions. ClinVar contains an entry for this variant (Variation ID: 1025970). Algorithms developed to predict the effect of missense changes on protein structure and function are either unavailable or do not agree on the potential impact of this missense change (SIFT: "Deleterious"; PolyPhen-2: "Not Available"; Align-GVGD: "Class C0"). In summary, the available evidence is currently insufficient to determine the role of this variant in disease. Therefore, it has been classified as a Variant of Uncertain Significance.